The following is an entry in ClinVar:

ClinVar aggregate classification (germline): Uncertain significance. Review status: criteria provided, multiple submitters, no conflicts (2 of 4 stars). 2 submissions from 2 submitters: Uncertain significance (2). Last evaluated 2023-06-05.

Allele frequency attached by ClinVar (database versions not stated): gnomAD exomes below 0.00001.

Submissions (2):

Labcorp Genetics (formerly Invitae), Labcorp
Classification: Uncertain significance. Last evaluated: 2023-06-05. Review status: criteria provided, single submitter. Criteria: Invitae Variant Classification Sherloc (09022015). Collection method: clinical testing. Allele origin: germline.
Comment: In summary, the available evidence is currently insufficient to determine the role of this variant in disease. Therefore, it has been classified as a Variant of Uncertain Significance. Advanced modeling of protein sequence and biophysical properties (such as structural, functional, and spatial information, amino acid conservation, physicochemical variation, residue mobility, and thermodynamic stability) has been performed at Invitae for this missense variant, however the output from this modeling did not meet the statistical confidence thresholds required to predict the impact of this variant on PROM1 protein function. This variant has not been reported in the literature in individuals affected with PROM1-related conditions. This variant is not present in population databases (gnomAD no frequency). This sequence change replaces methionine, which is neutral and non-polar, with isoleucine, which is neutral and non-polar, at codon 123 of the PROM1 protein (p.Met123Ile).

Blueprint Genetics
Classification: Uncertain significance. Last evaluated: 2017-08-03. Review status: criteria provided, single submitter. Criteria: ACMG Guidelines, 2015. Collection method: clinical testing. Allele origin: germline.

NM_006017.3(PROM1):c.369G>A (p.Met123Ile)

Gene: PROM1 (prominin 1; minus strand). Cytogenetic location: 4p15.32.
Variant type: single nucleotide variant.
Coding change: c.369G>A on transcript NM_006017.3 (MANE Select); coding-DNA position 369, G replaced by A.
Protein change: p.Met123Ile; replaces methionine 123 with isoleucine.
Molecular consequence: missense variant.
Genome position (GRCh38, 1-based): chr4:16,033,444, C>T on the plus strand (G>A on the coding strand, the complement: PROM1 is on the minus strand). VCF-style: chr4-16033444-C-T. GRCh37 (hg19) VCF-style: chr4-16035067-C-T.
Other names: c.342G>A, p.Met114Ile (NM_001145847.2, NM_001145848.2, NM_001145851.2 and 4 more transcripts); c.369G>A, p.Met123Ile (NM_001145849.2, NM_001145850.2); short protein forms M123I, M114I.
Identifiers: ClinVar variation 2771451 (VCV002771451.4), dbSNP rs2530799129, ClinGen allele CA356427784.
Genomic context (GRCh38, chr4:16,033,444, plus strand): 5'-CATTTCTCCACCACATTTGTTACAGCAACGACACATACAAAAGAAATACCCCACCAGAGG[C>T]ATCAGAATAATAAACAGCAGCCCCAGGACACAGCATAGAATAATCCCTGCTTCATAGTAG-3'
Protein context (NP_006008.1, residues 113-133): CVLGLLFIIL[Met123Ile]PLVGYFFCMC